The following is an entry in ClinVar:

ClinVar aggregate classification (germline): Uncertain significance (1 of 4 stars; one submission).

Submission:

GeneDx
Classification: Uncertain significance. Last evaluated: 2023-11-13. Review status: criteria provided, single submitter. Criteria: GeneDx Variant Classification Process June 2021. Collection method: clinical testing. Allele origin: germline. Affected: yes.
Comment: Not observed at significant frequency in large population cohorts (gnomAD); In silico analysis supports that this missense variant has a deleterious effect on protein structure/function; Has not been previously published as pathogenic or benign to our knowledge

NM_007325.5(GRIA3):c.1852C>A (p.Gln618Lys)

Gene: GRIA3 (glutamate ionotropic receptor AMPA type subunit 3; plus strand). Cytogenetic location: Xq25.
Variant type: single nucleotide variant.
Coding change: c.1852C>A on transcript NM_007325.5 (MANE Select); coding-DNA position 1852, C replaced by A.
Protein change: p.Gln618Lys; replaces glutamine 618 with lysine.
Molecular consequence: missense variant.
Genome position (GRCh38, 1-based): chrX:123,417,753, C>A. VCF-style: chrX-123417753-C-A. GRCh37 (hg19) VCF-style: chrX-122551604-C-A.
Other names: c.1852C>A, p.Gln618Lys (NM_000828.5); short protein forms Q618K.
Identifiers: ClinVar variation 2663307 (VCV002663307.1), dbSNP rs2521209860, ClinGen allele CA414257913.